The following is an entry in ClinVar:

ClinVar aggregate classification (germline): Pathogenic/Likely pathogenic. Review status: criteria provided, multiple submitters, no conflicts (2 of 4 stars). 4 submissions from 4 submitters: Pathogenic (3); Likely pathogenic (1). Last evaluated 2024-10-02.

Conditions:
6-Pyruvoyl-tetrahydrobiopterin synthase deficiency. Also called: Hyperphenylalanemia, BH4-deficient, A; Hyperphenylalaninemia due to 6-pyruvoyl-tetrahydropterin synthase deficiency; PTS DEFICIENCY; PTS-Related Tetrahydrobiopterin Deficiency; HYPERPHENYLALANINEMIA, TETRAHYDROBIOPTERIN-DEFICIENT, DUE TO PTS DEFICIENCY; 6-Pyruvoyltetrahydropterin Synthase Deficiency. Identifiers: Orphanet 13, Orphanet 238583, MedGen C0878676, MONDO:0009863, OMIM 261640.

Allele frequency attached by ClinVar (database versions not stated): TOPMed below 0.00001.

Submissions (4):

Natera, Inc.
Classification: Likely pathogenic for 6-Pyruvoyl-tetrahydrobiopterin synthase deficiency. Last evaluated: 2024-10-02. Review status: criteria provided, single submitter. Criteria: Natera Variant Classification Schema (03/2026). Collection method: clinical testing. Allele origin: germline.
Comment: The c.272A>G variant in PTS is a missense variant predicted to cause substitution of lysine to arginine at amino acid 91. This variant is rare in the general population with a frequency below the threshold expected for the associated phenotype(s). This variant has been observed in one or more individuals affected with the associated recessive disease, as either homozygous or compound heterozygous with a second variant (PMID: 25304915, 36212127, 25456745, 24705691). Given the available evidence, this variant is classified as Likely Pathogenic.

Women's Health and Genetics/Laboratory Corporation of America, LabCorp
Classification: Pathogenic for 6-Pyruvoyl-tetrahydrobiopterin synthase deficiency. Last evaluated: 2024-08-09. Review status: criteria provided, single submitter. Criteria: LabCorp Variant Classification Summary - May 2015. Collection method: clinical testing. Allele origin: germline.
Comment: Variant summary: PTS c.272A>G (p.Lys91Arg) results in a conservative amino acid change in the encoded protein sequence. Three of five in-silico tools predict a benign effect of the variant on protein function. The variant was absent in 251436 control chromosomes (gnomAD). c.272A>G has been reported in the literature in multiple individuals affected with 6-Pyruvoyl-Tetrahydropterin Synthase Deficiency (e.g. Ye_2013). These data indicate that the variant is very likely to be associated with disease. The following publication has been ascertained in the context of this evaluation (PMID: 23138986). ClinVar contains an entry for this variant (Variation ID: 813419). Based on the evidence outlined above, the variant was classified as pathogenic.

Labcorp Genetics (formerly Invitae), Labcorp
Classification: Pathogenic for 6-Pyruvoyl-tetrahydrobiopterin synthase deficiency. Last evaluated: 2023-12-02. Review status: criteria provided, single submitter. Criteria: Invitae Variant Classification Sherloc (09022015). Collection method: clinical testing. Allele origin: germline.
Comment: This sequence change replaces lysine, which is basic and polar, with arginine, which is basic and polar, at codon 91 of the PTS protein (p.Lys91Arg). This variant is not present in population databases (gnomAD no frequency). This missense change has been observed in individual(s) with 6-pyruvoyl-tetrahydropterin synthase deficiency (PMID: 23138986). ClinVar contains an entry for this variant (Variation ID: 813419). An algorithm developed to predict the effect of missense changes on protein structure and function (PolyPhen-2) suggests that this variant is likely to be tolerated. For these reasons, this variant has been classified as Pathogenic.

Juno Genomics, Hangzhou Juno Genomics, Inc
Classification: Pathogenic for 6-Pyruvoyl-tetrahydrobiopterin synthase deficiency. Review status: criteria provided, single submitter. Criteria: ACMG Guidelines, 2015. Collection method: clinical testing. Allele origin: germline.
Comment: Absent from controls (or at extremely low frequency if recessive) in Genome Aggregation Database.;Multiple lines of computational evidence support a deleterious effect on the gene or gene product.;For recessive disorders, detected in trans with a pathogenic variant.;Patient's phenotype or family history is highly specific for a disease with a single genetic etiology.

Literature cited by the submitters: PubMed 25304915 (cited by Natera, Inc.); PubMed 36212127 (cited by Natera, Inc.); PubMed 25456745 (cited by Natera, Inc.); PubMed 24705691 (cited by Natera, Inc.); PubMed 23138986 (cited by Women's Health and Genetics/Laboratory Corporation of America, LabCorp and Labcorp Genetics (formerly Invitae), Labcorp).

NM_000317.3(PTS):c.272A>G (p.Lys91Arg)

Gene: PTS (6-pyruvoyltetrahydropterin synthase; plus strand). Cytogenetic location: 11q23.1.
Variant type: single nucleotide variant.
Coding change: c.272A>G on transcript NM_000317.3 (MANE Select); coding-DNA position 272, A replaced by G.
Protein change: p.Lys91Arg; replaces lysine 91 with arginine.
Molecular consequence: missense variant.
Genome position (GRCh38, 1-based): chr11:112,233,191, A>G. VCF-style: chr11-112233191-A-G. GRCh37 (hg19) VCF-style: chr11-112103914-A-G.
Other names: c.272A>G (NM_000317.2); short protein forms K91R.
Identifiers: ClinVar variation 813419 (VCV000813419.15), dbSNP rs761285716, ClinGen allele CA228600984.